The following is an entry in ClinVar:

NM_153460.4(IL17RC):c.128-10C>G

Gene: IL17RC (interleukin 17 receptor C; plus strand). Cytogenetic location: 3p25.3.
Variant type: single nucleotide variant.
Coding change: c.128-10C>G on transcript NM_153460.4 (MANE Select); 10 bases into the intron before coding-DNA position 128, C replaced by G.
Molecular consequence: intron variant.
Genome position (GRCh38, 1-based): chr3:9,917,913, C>G. VCF-style: chr3-9917913-C-G. GRCh37 (hg19) VCF-style: chr3-9959597-C-G.
Other names: c.341-10C>G (NM_153461.4); c.128-10C>G (NM_001203263.2, NM_001203264.2, NM_001367278.1 and 4 more transcripts).
Identifiers: ClinVar variation 1370483 (VCV001370483.10), dbSNP rs775241631, ClinGen allele CA2246746.

ClinVar aggregate classification (germline): Uncertain significance (1 of 4 stars; one submission).

Conditions:
Candidiasis, familial, 9 (CANDF9). Identifiers: Orphanet 1334, MedGen C4225324, MONDO:0014642, OMIM 616445.

Allele frequency attached by ClinVar (database versions not stated): gnomAD exomes below 0.00001; ExAC 0.00001; gnomAD 0.00001; TOPMed 0.00001.
gnomAD v4.1: 5 of 1,613,070 alleles (0.00031%); highest among the groups gnomAD compares: Non-Finnish European, 0.00034%; no homozygotes.

Submissions (2):

Labcorp Genetics (formerly Invitae), Labcorp
Classification: Uncertain significance for Candidiasis, familial, 9. Last evaluated: 2024-06-04. Review status: criteria provided, single submitter. Criteria: Invitae Variant Classification Sherloc (09022015). Collection method: clinical testing. Allele origin: germline.
Comment: This sequence change falls in intron 2 of the IL17RC gene. It does not directly change the encoded amino acid sequence of the IL17RC protein. This variant is present in population databases (rs775241631, gnomAD 0.0009%). This variant has not been reported in the literature in individuals affected with IL17RC-related conditions. ClinVar contains an entry for this variant (Variation ID: 1370483). Algorithms developed to predict the effect of sequence changes on RNA splicing suggest that this variant may disrupt the consensus splice site. In summary, the available evidence is currently insufficient to determine the role of this variant in disease. Therefore, it has been classified as a Variant of Uncertain Significance.

Dr. Peter K. Rogan Lab, Western University
No classification provided (evidence only). Condition: Melanoma. Review status: no classification provided. Collection method: in vitro. Allele origin: not applicable. Functional consequence: retained intron. Not counted in ClinVar's aggregate classification.